The following is an entry in ClinVar:

NM_001042492.3(NF1):c.7301A>C (p.Gln2434Pro)

Gene: NF1 (neurofibromin 1; plus strand). Cytogenetic location: 17q11.2.
Variant type: single nucleotide variant.
Coding change: c.7301A>C on transcript NM_001042492.3 (MANE Select); coding-DNA position 7301, A replaced by C.
Protein change: p.Gln2434Pro; replaces glutamine 2434 with proline.
Molecular consequence: missense variant.
Genome position (GRCh38, 1-based): chr17:31,349,231, A>C. VCF-style: chr17-31349231-A-C. GRCh37 (hg19) VCF-style: chr17-29676249-A-C.
Other names: c.7238A>C, p.Gln2413Pro (NM_000267.4); short protein forms Q2413P, Q2434P.
Identifiers: ClinVar variation 1718252 (VCV001718252.7), dbSNP rs2151572896, ClinGen allele CA399016887.

ClinVar aggregate classification (germline): Uncertain significance. Review status: criteria provided, multiple submitters, no conflicts (2 of 4 stars). 3 submissions from 3 submitters: Uncertain significance (3). Last evaluated 2025-10-29.

Conditions:
Neurofibromatosis, type 1 (NF1). Also called: Peripheral type neurofibromatosis; VON RECKLINGHAUSEN DISEASE; NEUROFIBROMATOSIS, TYPE I, SOMATIC; Neurofibromatosis, type I. Identifiers: Orphanet 636, MedGen C0027831, MONDO:0018975, OMIM 162200. Disease mechanism: loss of function.
Cardiovascular phenotype. Identifiers: MedGen CN230736.
Hereditary cancer-predisposing syndrome. Also called: Hereditary neoplastic syndrome; Tumor predisposition; Neoplastic Syndromes, Hereditary; Hereditary Cancer Syndrome. Identifiers: Orphanet 140162, MedGen C0027672, MeSH D009386, MONDO:0015356.

Submissions (3):

Ambry Genetics
Classification: Uncertain significance for Cardiovascular phenotype; Hereditary cancer-predisposing syndrome. Last evaluated: 2025-10-29. Review status: criteria provided, single submitter. Criteria: Ambry Variant Classification Scheme 2023. Collection method: clinical testing. Allele origin: germline.
Comment: The p.Q2413P variant (also known as c.7238A>C), located in coding exon 48 of the NF1 gene, results from an A to C substitution at nucleotide position 7238. The glutamine at codon 2413 is replaced by proline, an amino acid with similar properties. This amino acid position is highly conserved in available vertebrate species. In addition, this alteration is predicted to be tolerated by in silico analysis. Based on the available evidence, the clinical significance of this variant remains unclear.

Labcorp Genetics (formerly Invitae), Labcorp
Classification: Uncertain significance for Neurofibromatosis, type 1. Last evaluated: 2024-03-06. Review status: criteria provided, single submitter. Criteria: Invitae Variant Classification Sherloc (09022015). Collection method: clinical testing. Allele origin: germline.
Comment: This sequence change replaces glutamine, which is neutral and polar, with proline, which is neutral and non-polar, at codon 2413 of the NF1 protein (p.Gln2413Pro). This variant is not present in population databases (gnomAD no frequency). This variant has not been reported in the literature in individuals affected with NF1-related conditions. ClinVar contains an entry for this variant (Variation ID: 1718252). Advanced modeling of protein sequence and biophysical properties (such as structural, functional, and spatial information, amino acid conservation, physicochemical variation, residue mobility, and thermodynamic stability) has been performed at Invitae for this missense variant, however the output from this modeling did not meet the statistical confidence thresholds required to predict the impact of this variant on NF1 protein function. In summary, the available evidence is currently insufficient to determine the role of this variant in disease. Therefore, it has been classified as a Variant of Uncertain Significance.

GeneDx
Classification: Uncertain significance. Last evaluated: 2023-05-26. Review status: criteria provided, single submitter. Criteria: GeneDx Variant Classification Process June 2021. Collection method: clinical testing. Allele origin: germline. Affected: yes.
Comment: Not observed at significant frequency in large population cohorts (gnomAD); In silico analysis supports that this missense variant has a deleterious effect on protein structure/function; Has not been previously published as pathogenic or benign to our knowledge; This variant is associated with the following publications: (PMID: 25486365)